The following is an entry in ClinVar:

NM_032885.6(ATG4D):c.839A>G (p.Tyr280Cys)

Gene: ATG4D (autophagy related 4D cysteine peptidase; plus strand). Cytogenetic location: 19p13.2.
Variant type: single nucleotide variant.
Coding change: c.839A>G on transcript NM_032885.6 (MANE Select); coding-DNA position 839, A replaced by G.
Protein change: p.Tyr280Cys; replaces tyrosine 280 with cysteine.
Molecular consequence: missense variant. On other transcripts: non-coding transcript variant (2).
Genome position (GRCh38, 1-based): chr19:10,548,907, A>G. VCF-style: chr19-10548907-A-G. GRCh37 (hg19) VCF-style: chr19-10659583-A-G.
Other names: p.Tyr217Cys; c.650A>G, p.Tyr217Cys (NM_001281504.2); c.650A>G (NM_001281504.1); short protein forms Y217C, Y280C.
Identifiers: ClinVar variation 1322025 (VCV001322025.4), dbSNP rs148969864, ClinGen allele CA9196244.

ClinVar aggregate classification (germline): Conflicting classifications of pathogenicity. Review status: criteria provided, conflicting classifications (1 of 4 stars). 3 submissions from 3 submitters: Pathogenic (1); Uncertain significance (1). 1 of the submissions does not count toward it. Last evaluated 2025-01-08.

Conditions:
ASHER. Identifiers: MedGen CN300930.
ATG4D-related neurodevelopmental condition.

Allele frequency attached by ClinVar (database versions not stated): gnomAD 0.00060 and 0.00063; TOPMed 0.00060; gnomAD exomes 0.00061 and 0.00096; ExAC 0.00088; ESP Exome Variant Server 0.00108.

Submissions (3):

Undiagnosed Diseases Network, NIH
Classification: Pathogenic for ATG4D-related neurodevelopmental condition. Last evaluated: 2025-01-08. Review status: criteria provided, single submitter. Criteria: ACMG Guidelines, 2015. Collection method: clinical testing. Allele origin: maternal. Inheritance: Autosomal recessive inheritance. Affected: yes. Observed: 1 compound heterozygote. Study: Undiagnosed Diseases Network (NIH), UDN.

Clinical Genomics Laboratory, Washington University in St. Louis
Classification: Uncertain significance. Last evaluated: 2023-12-08. Review status: criteria provided, single submitter. Criteria: ACMG Guidelines, 2015. Collection method: clinical testing. Allele origin: germline.
Comment: The ATG4D c.839A>G (p.Tyr280Cys) variant has been reported in trans with another missense in an individual affected with a neurodevelopmental delay phenotype characterized by speech and motor impairment (Morimoto M et al., PMID: 36765070; ClinVar Variation ID: 1322025). The highest population minor allele frequency in the population database genome aggregation database (v.2.1.1) is 0.12% in the European non-Finnish population. In vitro functional studies showed that p.Tyr280Cys decreased the priming activity of the ATG4D substrate, GABARAPL1. Furthermore, the variant failed to rescue the priming activity in a ATG4 tetra knockout cell line, suggesting the variant results in loss-of-function (Morimoto M et al., PMID: 36765070). Computational predictors are uncertain as to the impact of this variant on ATG4D function. Due to limited information, the clinical significance of this variant is uncertain.

Undiagnosed Diseases Program Translational Research Laboratory, National Institutes of Health
Classification: Pathogenic for ASHER. Last evaluated: 2021-10-17. Review status: no assertion criteria provided. Collection method: research. Allele origin: maternal. Affected: yes. Not counted in ClinVar's aggregate classification.
Comment: Variant pathogenic as shown by in vitro assay. Part of compund heterozygous pair. ATG4D-related disorder; ASHER (ATG4D-related, Spectrum of cerebellar findings, Hypotonia and joint laxity, Early onset, Regression or delay)